The following is an entry in ClinVar:

NM_006361.6(HOXB13):c.177G>A (p.Pro59=)

Gene: HOXB13 (homeobox B13; minus strand). Cytogenetic location: 17q21.32.
Variant type: single nucleotide variant.
Coding change: c.177G>A on transcript NM_006361.6 (MANE Select); coding-DNA position 177, G replaced by A.
Protein change: p.Pro59=; no amino-acid change (proline 59 retained).
Molecular consequence: synonymous variant.
Genome position (GRCh38, 1-based): chr17:48,728,417, C>T on the plus strand (G>A on the coding strand, the complement: HOXB13 is on the minus strand). VCF-style: chr17-48728417-C-T. GRCh37 (hg19) VCF-style: chr17-46805779-C-T.
Identifiers: ClinVar variation 483484 (VCV000483484.20), dbSNP rs779780541, ClinGen allele CA291350830.

ClinVar aggregate classification (germline): Conflicting classifications of pathogenicity. Review status: criteria provided, conflicting classifications (1 of 4 stars). 5 submissions from 5 submitters: Uncertain significance (1); Benign (1); Likely benign (3). Last evaluated 2025-12-23.

Conditions:
Hereditary cancer-predisposing syndrome. Also called: Neoplastic Syndromes, Hereditary; Tumor predisposition; Hereditary Cancer Syndrome; Hereditary neoplastic syndrome. Identifiers: Orphanet 140162, MedGen C0027672, MeSH D009386, MONDO:0015356.
Prostate cancer, hereditary, 9 (HPC9). Identifiers: Orphanet 1331, MedGen C1970250, MONDO:0012597, OMIM 610997.

Allele frequency attached by ClinVar (database versions not stated): gnomAD 0.00003 and 0.00004; TOPMed 0.00003.
gnomAD v4.1: 105 of 1,613,190 alleles (0.0065%); highest among the groups gnomAD compares: Non-Finnish European, 0.0078%; no homozygotes.

Submissions (5):

Labcorp Genetics (formerly Invitae), Labcorp
Classification: Likely benign. Last evaluated: 2025-12-23. Review status: criteria provided, single submitter. Criteria: Invitae Variant Classification Sherloc (09022015). Collection method: clinical testing. Allele origin: germline.

Myriad Genetics, Inc.
Classification: Benign for Prostate cancer, hereditary, 9. Last evaluated: 2024-10-29. Review status: criteria provided, single submitter. Criteria: Myriad Autosomal Dominant, Autosomal Recessive and X-Linked Classification Criteria (2023). Collection method: clinical testing. Allele origin: unknown.
Comment: This variant is considered benign. This variant is a silent/synonymous amino acid change and it is not expected to impact splicing.

GeneDx
Classification: Likely benign. Last evaluated: 2022-06-01. Review status: criteria provided, single submitter. Criteria: GeneDx Variant Classification Process June 2021. Collection method: clinical testing. Allele origin: germline. Affected: yes.
Comment: See Variant Classification Assertion Criteria.

Department of Pathology and Laboratory Medicine, Sinai Health System
Classification: Uncertain significance for Prostate cancer, hereditary, 9. Last evaluated: 2022-02-16. Review status: criteria provided, single submitter. Criteria: ACMG Guidelines, 2015. Collection method: clinical testing. Allele origin: germline. Affected: yes.

Ambry Genetics
Classification: Likely benign for Hereditary cancer-predisposing syndrome. Last evaluated: 2017-07-05. Review status: criteria provided, single submitter. Criteria: Ambry Variant Classification Scheme 2023. Collection method: clinical testing. Allele origin: germline.